The following is an entry in ClinVar:

ClinVar aggregate classification (germline): Uncertain significance. Review status: criteria provided, multiple submitters, no conflicts (2 of 4 stars). 2 submissions from 2 submitters: Uncertain significance (2). Last evaluated 2025-09-17.

Conditions:
Inborn genetic diseases. Identifiers: MedGen C0950123, MeSH D030342.

Allele frequency attached by ClinVar (database versions not stated): TOPMed below 0.00001; gnomAD exomes 0.00001.
gnomAD v4.1: 9 of 1,547,196 alleles (0.00058%); highest among the groups gnomAD compares: East Asian, 0.012%; no homozygotes.

Submissions (2):

Labcorp Genetics (formerly Invitae), Labcorp
Classification: Uncertain significance. Last evaluated: 2025-09-17. Review status: criteria provided, single submitter. Criteria: Invitae Variant Classification Sherloc (09022015). Collection method: clinical testing. Allele origin: germline.
Comment: This sequence change affects a donor splice site in intron 13 of the PACS2 gene. It is expected to disrupt RNA splicing. Variants that disrupt the donor or acceptor splice site typically lead to a loss of protein function (PMID: 16199547), however the current clinical and genetic evidence is not sufficient to establish whether loss-of-function variants in PACS2 cause disease. This variant is not present in population databases (gnomAD no frequency). This variant has not been reported in the literature in individuals affected with PACS2-related conditions. ClinVar contains an entry for this variant (Variation ID: 1897578). Algorithms developed to predict the effect of sequence changes on RNA splicing suggest that this variant may disrupt the consensus splice site. In summary, the available evidence is currently insufficient to determine the role of this variant in disease. Therefore, it has been classified as a Variant of Uncertain Significance.

Ambry Genetics
Classification: Uncertain significance for Inborn genetic diseases. Last evaluated: 2021-08-20. Review status: criteria provided, single submitter. Criteria: Ambry Variant Classification Scheme 2023. Collection method: clinical testing. Allele origin: germline.
Comment: Loss of function has not been clearly established as a mechanism of disease Based on insufficient or conflicting evidence, the clinical significance of this alteration remains unclear.

Literature cited by the submitters: PubMed 16199547 (cited by Labcorp Genetics (formerly Invitae), Labcorp).

NM_001100913.3(PACS2):c.1413+2T>C

Gene: PACS2 (phosphofurin acidic cluster sorting protein 2; plus strand). Cytogenetic location: 14q32.33.
Variant type: single nucleotide variant.
Coding change: c.1413+2T>C on transcript NM_001100913.3 (MANE Select); the canonical splice donor site of the intron after coding-DNA position 1413, T replaced by C.
Molecular consequence: splice donor variant. On other transcripts: intron variant (2).
Genome position (GRCh38, 1-based): chr14:105,382,060, T>C. VCF-style: chr14-105382060-T-C. GRCh37 (hg19) VCF-style: chr14-105848397-T-C.
Other names: c.1176+14T>C (NM_001243127.3); c.1401+14T>C (NM_015197.4).
Identifiers: ClinVar variation 1897578 (VCV001897578.5), dbSNP rs781944618, ClinGen allele CA7388799.